The following is an entry in ClinVar:

NM_002618.4(PEX13):c.464A>G (p.Tyr155Cys)

Gene: PEX13 (peroxisomal biogenesis factor 13; plus strand). Cytogenetic location: 2p15.
Variant type: single nucleotide variant.
Coding change: c.464A>G on transcript NM_002618.4 (MANE Select); coding-DNA position 464, A replaced by G.
Protein change: p.Tyr155Cys; replaces tyrosine 155 with cysteine.
Molecular consequence: missense variant.
Genome position (GRCh38, 1-based): chr2:61,031,790, A>G. VCF-style: chr2-61031790-A-G. GRCh37 (hg19) VCF-style: chr2-61258925-A-G.
Other names: short protein forms Y155C.
Identifiers: ClinVar variation 581277 (VCV000581277.6), dbSNP rs1298522041, ClinGen allele CA346942860.
Genomic context (GRCh38, chr2:61,031,790, plus strand): 5'-GTATTGTGCATGCATTTGCCTCTGTCAGTATGATGATGGATGCTACCTTTTCAGCTGTCT[A>G]TAACAGTTTCAGGGCTGTATTGGATGTAGCAAATCACTTTTCCCGATTGAAAATACACTT-3'
Protein context (NP_002609.1, residues 145-165): MMMDATFSAV[Tyr155Cys]NSFRAVLDVA

ClinVar aggregate classification (germline): Uncertain significance (1 of 4 stars; one submission).

Conditions:
Peroxisome biogenesis disorder 11A (Zellweger). Also called: Peroxisome biogenesis disorder 11A. Identifiers: Orphanet 912, MedGen C3554000, MONDO:0013949, OMIM 614883.

Allele frequency attached by ClinVar (database versions not stated): gnomAD 0.00001; gnomAD exomes 0.00001; TOPMed 0.00002.
gnomAD v4.1: 14 of 1,613,436 alleles (0.00087%); highest among the groups gnomAD compares: East Asian, 0.011%; no homozygotes.

Submission:

Labcorp Genetics (formerly Invitae), Labcorp
Classification: Uncertain significance for Peroxisome biogenesis disorder 11A (Zellweger). Last evaluated: 2022-08-16. Review status: criteria provided, single submitter. Criteria: Invitae Variant Classification Sherloc (09022015). Collection method: clinical testing. Allele origin: germline.
Comment: This sequence change replaces tyrosine, which is neutral and polar, with cysteine, which is neutral and slightly polar, at codon 155 of the PEX13 protein (p.Tyr155Cys). This variant is not present in population databases (gnomAD no frequency). This variant has not been reported in the literature in individuals affected with PEX13-related conditions. ClinVar contains an entry for this variant (Variation ID: 581277). Algorithms developed to predict the effect of missense changes on protein structure and function are either unavailable or do not agree on the potential impact of this missense change (SIFT: "Deleterious"; PolyPhen-2: "Probably Damaging"; Align-GVGD: "Class C15"). In summary, the available evidence is currently insufficient to determine the role of this variant in disease. Therefore, it has been classified as a Variant of Uncertain Significance.